The following is an entry in ClinVar:

ClinVar aggregate classification (germline): Pathogenic/Likely pathogenic. Review status: criteria provided, multiple submitters, no conflicts (2 of 4 stars). 10 submissions from 8 submitters: Pathogenic (5); Likely pathogenic (5). Last evaluated 2026-01-19.

Conditions:
Cardiovascular phenotype. Identifiers: MedGen CN230736.
Restrictive cardiomyopathy. Identifiers: Orphanet 217632, MedGen C0007196, MeSH D002313, MONDO:0005201, HP:0001723.
Primary familial hypertrophic cardiomyopathy (HCM). Identifiers: Orphanet 99739, MedGen C0949658, MeSH D024741, MONDO:0024573. Inheritance: Various modes of inheritance.
TNNT2-related disorder. Also called: TNNT2-related condition.
Dilated cardiomyopathy 1D. Identifiers: Orphanet 154, Orphanet 54260, MedGen C1832243, MONDO:0011095, OMIM 601494.
Hypertrophic cardiomyopathy 2. Also called: TNNT2-Related Familial Hypertrophic Cardiomyopathy. Identifiers: MedGen C1861864, MONDO:0007266, OMIM 115195.
Cardiomyopathy, familial restrictive, 3. Identifiers: Orphanet 75249, MedGen C2676271, MONDO:0012900, OMIM 612422.

Submissions (10):

GeneDx
Classification: Pathogenic. Last evaluated: 2026-01-19. Review status: criteria provided, single submitter. Criteria: GeneDx Variant Classification Process June 2021. Collection method: clinical testing. Allele origin: germline. Affected: yes.
Comment: Not observed at significant frequency in large population cohorts (gnomAD); In silico analysis supports that this missense variant has a deleterious effect on protein structure/function; This variant is associated with the following publications: (PMID: 24111713, 19914256, 10978365, 22112859, 23711808, 28073646, 19754353, 20031601, 12746413, 33025817, 29907873, 32098556, 37652022, 35838873)

Labcorp Genetics (formerly Invitae), Labcorp
Classification: Pathogenic for Cardiomyopathy, familial restrictive, 3; Hypertrophic cardiomyopathy 2; Dilated cardiomyopathy 1D. Last evaluated: 2025-08-25. Review status: criteria provided, single submitter. Criteria: Invitae Variant Classification Sherloc (09022015). Collection method: clinical testing. Allele origin: germline.
Comment: This sequence change replaces arginine, which is basic and polar, with cysteine, which is neutral and slightly polar, at codon 94 of the TNNT2 protein (p.Arg94Cys). This variant is not present in population databases (gnomAD no frequency). This missense change has been observed in individual(s) with hypertrophic cardiomyopathy (PMID: 10978365, 22112859, 23711808, 24111713; internal data). In at least one individual the variant was observed to be de novo. ClinVar contains an entry for this variant (Variation ID: 165549). Invitae Evidence Modeling of protein sequence and biophysical properties (such as structural, functional, and spatial information, amino acid conservation, physicochemical variation, residue mobility, and thermodynamic stability) has been performed for this missense variant. However, the output from this modeling did not meet the statistical confidence thresholds required to predict the impact of this variant on TNNT2 protein function. This variant disrupts the p.Arg94 amino acid residue in TNNT2. Other variant(s) that disrupt this residue have been determined to be pathogenic (PMID: 10525521, 14654368, 14722098, 20031602, 20624503, 23283745). This suggests that this residue is clinically significant, and that variants that disrupt this residue are likely to be disease-causing. For these reasons, this variant has been classified as Pathogenic.

Genome-Nilou Lab
Classification: Likely pathogenic for Dilated cardiomyopathy 1D. Last evaluated: 2023-04-11. Review status: criteria provided, single submitter. Criteria: ACMG Guidelines, 2015. Collection method: clinical testing. Allele origin: germline. Affected: no.

Genome-Nilou Lab
Classification: Likely pathogenic for Cardiomyopathy, familial restrictive, 3. Last evaluated: 2023-04-11. Review status: criteria provided, single submitter. Criteria: ACMG Guidelines, 2015. Collection method: clinical testing. Allele origin: germline. Affected: no.

Genome-Nilou Lab
Classification: Likely pathogenic for Hypertrophic cardiomyopathy 2. Last evaluated: 2023-04-11. Review status: criteria provided, single submitter. Criteria: ACMG Guidelines, 2015. Collection method: clinical testing. Allele origin: germline. Affected: no.

Ambry Genetics
Classification: Pathogenic for Cardiovascular phenotype. Last evaluated: 2022-04-05. Review status: criteria provided, single submitter. Criteria: Ambry Variant Classification Scheme 2023. Collection method: clinical testing. Allele origin: germline.
Comment: The p.R94C pathogenic mutation (also known as c.280C>T), located in coding exon 8 of the TNNT2 gene, results from a C to T substitution at nucleotide position 280. The arginine at codon 94 is replaced by cysteine, an amino acid with highly dissimilar properties. This mutation has been detected as a confirmed de novo alteration in one individual with hypertrophic cardiomyopathy (HCM) (D'Cruz LG et al. J Med Genet. 2000;37:E18). This mutation has also been reported in several other unrelated HCM cases and in one restrictive cardiomyopathy (RCM) case (Otsuka H et al. Circ J. 2012;76:453-61; Liu W et al. Am J Cardiol. 2013;112:585-9; Berge KE et al. Clin Genet. 2014;86:355-60; Hayashi T et al. J. Hum. Genet., 2018 Sep;63:989-996). Two alterations affecting the same amino acid, p.R94H and p.R94L, have also been reported in association with HCM (Varnava A et al. Heart. 1999;82:621-4; Ripoll-Vera T et al. Rev Esp Cardiol (Engl Ed). 2016;69:149-58). This variant is considered to be rare based on population cohorts in the Genome Aggregation Database (gnomAD). In addition, this alteration is predicted to be deleterious by in silico analysis. Based on the supporting evidence, this alteration is interpreted as a disease-causing mutation.

Women's Health and Genetics/Laboratory Corporation of America, LabCorp
Classification: Pathogenic for Primary familial hypertrophic cardiomyopathy. Last evaluated: 2019-09-06. Review status: criteria provided, single submitter. Criteria: LabCorp Variant Classification Summary - May 2015. Collection method: clinical testing. Allele origin: germline.
Comment: Variant summary: TNNT2 c.280C>T (p.Arg94Cys) results in a non-conservative amino acid change located in the T1 domain of the encoded protein sequence. Five of five in-silico tools predict a damaging effect of the variant on protein function. The variant was absent in 251458 control chromosomes. c.280C>T has been reported in the literature in individuals affected with Hypertrophic Cardiomyopathy, one of whom was reportedly a proband with a de-novo occurrence of this variant (D'Cruz_2012, Otsuka_2012, Liu_2013). These data indicate that the variant may be associated with disease. To our knowledge, no experimental evidence demonstrating an impact on protein function has been reported, although mutations spanning residues 92-110 of TNNT2 have been reported to impair tropomyosin-dependent functions of troponin T (Palm_2001) supporting a critical domain function. Three clinical diagnostic laboratories have submitted clinical-significance assessments for this variant to ClinVar after 2014 without evidence for independent evaluation. All laboratories classified the variant as pathogenic. Based on the evidence outlined above, the variant was classified as pathogenic.

Blueprint Genetics
Classification: Pathogenic for TNNT2-related disorders. Last evaluated: 2019-04-15. Review status: criteria provided, single submitter. Criteria: ACMG Guidelines, 2015. Collection method: clinical testing. Allele origin: germline. Affected: yes. Observed: 1 variant allele.

Laboratory for Molecular Medicine, Mass General Brigham Personalized Medicine
Classification: Likely pathogenic for Restrictive cardiomyopathy. Last evaluated: 2014-01-22. Review status: criteria provided, single submitter. Criteria: LMM Criteria. Collection method: clinical testing. Allele origin: germline. Inheritance: Autosomal dominant inheritance. Observed: 1 variant allele.
Comment: The Arg94Cys variant in TNNT2 has not been previously reported in individuals wi th cardiomyopathy or in large population studies. Arginine (Arg) at position 94 is highly conserved in evolution and the change to cysteine (Cys) was predicted to be pathogenic using a computational tool clinically validated by our laborato ry. This tool's pathogenic prediction is estimated to be correct 94% of the time (Jordan 2011). In addition, 2 other likely disease-causing variants at this pos ition (Arg94His and Arg94Leu) have been reported in multiple individuals with HC M (Varnava 1999, LMM unpublished data). In summary, the low frequency, computati onal prediction for this variant, and presence of other disease-causing variants at this position all suggest that the Arg94Cys variant is likely to be pathogen ic, but additional studies are needed to fully establish its clinical significan ce.

Stanford Center for Inherited Cardiovascular Disease, Stanford University
Classification: Likely pathogenic. Last evaluated: 2012-01-16. Review status: criteria provided, single submitter. Criteria: ACMG Guidelines, 2015. Collection method: provider interpretation. Allele origin: germline.

Literature cited by the submitters: PubMed 10978365 (cited by 3 submitters); PubMed 22112859 (cited by 3 submitters); PubMed 23711808 (cited by 3 submitters); PubMed 24111713 (cited by Labcorp Genetics (formerly Invitae), Labcorp and Ambry Genetics); PubMed 10525521 (cited by 3 submitters); PubMed 14654368 (cited by Labcorp Genetics (formerly Invitae), Labcorp); PubMed 14722098 (cited by Labcorp Genetics (formerly Invitae), Labcorp); PubMed 20031602 (cited by Labcorp Genetics (formerly Invitae), Labcorp); PubMed 20624503 (cited by Labcorp Genetics (formerly Invitae), Labcorp); PubMed 23283745 (cited by Labcorp Genetics (formerly Invitae), Labcorp); PubMed 27074551 (cited by Ambry Genetics); PubMed 29907873 (cited by Ambry Genetics); PubMed 11606294 (cited by Women's Health and Genetics/Laboratory Corporation of America, LabCorp).

NM_001276345.2(TNNT2):c.310C>T (p.Arg104Cys)

Gene: TNNT2 (troponin T2, cardiac type; minus strand). Cytogenetic location: 1q32.1.
Variant type: single nucleotide variant.
Coding change: c.310C>T on transcript NM_001276345.2 (MANE Select); coding-DNA position 310, C replaced by T.
Protein change: p.Arg104Cys; replaces arginine 104 with cysteine.
Molecular consequence: missense variant. On other transcripts: intron variant (1).
Genome position (GRCh38, 1-based): chr1:201,365,292, G>A on the plus strand (C>T on the coding strand, the complement: TNNT2 is on the minus strand). VCF-style: chr1-201365292-G-A. GRCh37 (hg19) VCF-style: chr1-201334420-G-A.
Other names: p.R94C:CGC>TGC; c.310C>T, p.Arg104Cys (NM_000364.4); c.280C>T, p.Arg94Cys (NM_001001430.3, NM_001001431.3, NM_001276347.2); c.265C>T, p.Arg89Cys (NM_001001432.3); c.291+318C>T (NM_001276346.2); short protein forms R104C, R94C, R89C.
Identifiers: ClinVar variation 165549 (VCV000165549.25), dbSNP rs727503513, ClinGen allele CA004288.